The following is an entry in ClinVar:

ClinVar aggregate classification (germline): Uncertain significance (1 of 4 stars; one submission).

gnomAD v4.1: 4 of 1,612,554 alleles (0.00025%); highest among the groups gnomAD compares: Non-Finnish European, 0.00034%; no homozygotes.

Submission:

Women's Health and Genetics/Laboratory Corporation of America, LabCorp
Classification: Uncertain significance. Last evaluated: 2024-11-20. Review status: criteria provided, single submitter. Criteria: LabCorp Variant Classification Summary - May 2015. Collection method: clinical testing. Allele origin: germline.
Comment: Variant summary: CHST6 c.161C>T (p.Ser54Phe) results in a non-conservative amino acid change located in the Sulfotransferase domain (IPR000863) of the encoded protein sequence. Five of five in-silico tools predict a damaging effect of the variant on protein function. The variant was absent in 247712 control chromosomes (gnomAD v2.1). c.161C>T has been reported in the literature in at least one homozygous individual affected with Macular Corneal Dystrophy (Sultana_2005, Sultana_2009). These data indicate that the variant may be associated with disease. To our knowledge, no experimental evidence demonstrating an impact on protein function has been reported. However, a different missense affecting the same amino acid (S54Y) is reported in affected individual(s) (HGMD), suggesting a functional importance for this residue. The following publications have been ascertained in the context of this evaluation (PMID: 16207214, 19204788). No submitters have cited clinical-significance assessments for this variant to ClinVar. Based on the evidence outlined above, the variant was classified as VUS-possibly pathogenic.

Literature cited by the submitters: PubMed 16207214; PubMed 19204788.

NM_021615.5(CHST6):c.161C>T (p.Ser54Phe)

Gene: CHST6 (carbohydrate sulfotransferase 6; minus strand). Cytogenetic location: 16q23.1.
Variant type: single nucleotide variant.
Coding change: c.161C>T on transcript NM_021615.5 (MANE Select); coding-DNA position 161, C replaced by T.
Protein change: p.Ser54Phe; replaces serine 54 with phenylalanine.
Molecular consequence: missense variant.
Genome position (GRCh38, 1-based): chr16:75,479,668, G>A on the plus strand (C>T on the coding strand, the complement: CHST6 is on the minus strand). VCF-style: chr16-75479668-G-A. GRCh37 (hg19) VCF-style: chr16-75513566-G-A.
Other names: short protein forms S54F.
Identifiers: ClinVar variation 3629952 (VCV003629952.1).